The following is an entry in ClinVar:

ClinVar aggregate classification (germline): Uncertain significance (1 of 4 stars; one submission).

Conditions:
Hereditary cancer-predisposing syndrome. Also called: Neoplastic Syndromes, Hereditary; Tumor predisposition; Hereditary Cancer Syndrome; Hereditary neoplastic syndrome. Identifiers: Orphanet 140162, MedGen C0027672, MeSH D009386, MONDO:0015356.

Allele frequency attached by ClinVar (database versions not stated): TOPMed below 0.00001; gnomAD 0.00001.
gnomAD v4.1: 1 of 1,613,990 alleles (0.000062%); highest among the groups gnomAD compares: Non-Finnish European, 0.000085%; no homozygotes.

Submission:

Color Diagnostics, LLC DBA Color Health
Classification: Uncertain significance for Hereditary cancer-predisposing syndrome. Last evaluated: 2023-12-05. Review status: criteria provided, single submitter. Criteria: ACMG Guidelines, 2015. Collection method: clinical testing. Allele origin: germline.
Comment: This missense variant replaces aspartic acid with glycine at codon 586 of the PALB2 protein. Computational prediction tools and conservation analyses suggest that this variant may not impact protein structure and function. Splice site prediction tools suggest that this variant may not impact RNA splicing. To our knowledge, functional studies have not been performed for this variant. This variant has not been reported in individuals affected with hereditary cancer in the literature. This variant has not been identified in the general population by the Genome Aggregation Database (gnomAD). The available evidence is insufficient to determine the role of this variant in disease conclusively. Therefore, this variant is classified as a Variant of Uncertain Significance.

NM_024675.4(PALB2):c.1757A>G (p.Asp586Gly)

Gene: PALB2 (partner and localizer of BRCA2; minus strand). Cytogenetic location: 16p12.2.
Variant type: single nucleotide variant.
Coding change: c.1757A>G on transcript NM_024675.4 (MANE Select); coding-DNA position 1757, A replaced by G.
Protein change: p.Asp586Gly; replaces aspartic acid 586 with glycine.
Molecular consequence: missense variant.
Genome position (GRCh38, 1-based): chr16:23,630,397, T>C on the plus strand (A>G on the coding strand, the complement: PALB2 is on the minus strand). VCF-style: chr16-23630397-T-C. GRCh37 (hg19) VCF-style: chr16-23641718-T-C.
Other names: short protein forms D586G.
Identifiers: ClinVar variation 922276 (VCV000922276.5), dbSNP rs1278558296, ClinGen allele CA395128231.